The following is an entry in ClinVar:

ClinVar aggregate classification (germline): Uncertain significance (1 of 4 stars; one submission).

gnomAD v4.1: 30 of 1,568,978 alleles (0.0019%); highest among the groups gnomAD compares: Non-Finnish European, 0.0026%; no homozygotes.

Submission:

Labcorp Genetics (formerly Invitae), Labcorp
Classification: Uncertain significance. Last evaluated: 2024-08-02. Review status: criteria provided, single submitter. Criteria: Invitae Variant Classification Sherloc (09022015). Collection method: clinical testing. Allele origin: germline.
Comment: This variant occurs in a non-coding region of the EYS gene. It does not change the encoded amino acid sequence of the EYS protein. This variant is not present in population databases (gnomAD no frequency). This variant has not been reported in the literature in individuals affected with EYS-related conditions. In summary, the available evidence is currently insufficient to determine the role of this variant in disease. Therefore, it has been classified as a Variant of Uncertain Significance.

NM_001142800.2(EYS):c.-59T>C

Gene: EYS (EGF-like photoreceptor maintenance factor; minus strand). Cytogenetic location: 6q12.
Variant type: single nucleotide variant.
Coding change: c.-59T>C on transcript NM_001142800.2 (MANE Select); 59 bases upstream of the start codon, T replaced by C.
Molecular consequence: 5 prime UTR variant.
Genome position (GRCh38, 1-based): chr6:65,495,469, A>G on the plus strand (T>C on the coding strand, the complement: EYS is on the minus strand). VCF-style: chr6-65495469-A-G. GRCh37 (hg19) VCF-style: chr6-66205362-A-G.
Other names: c.-59T>C (NM_198283.2, NM_001142801.2, NM_001292009.2).
Identifiers: ClinVar variation 3705963 (VCV003705963.2).